The following is an entry in ClinVar:

ClinVar aggregate classification (germline): Uncertain significance (1 of 4 stars; one submission).

Submission:

Labcorp Genetics (formerly Invitae), Labcorp
Classification: Uncertain significance. Last evaluated: 2024-12-23. Review status: criteria provided, single submitter. Criteria: Invitae Variant Classification Sherloc (09022015). Collection method: clinical testing. Allele origin: germline.
Comment: This sequence change replaces valine, which is neutral and non-polar, with glycine, which is neutral and non-polar, at codon 2068 of the FLNB protein (p.Val2068Gly). This variant is not present in population databases (gnomAD no frequency). This variant has not been reported in the literature in individuals affected with FLNB-related conditions. Invitae Evidence Modeling of protein sequence and biophysical properties (such as structural, functional, and spatial information, amino acid conservation, physicochemical variation, residue mobility, and thermodynamic stability) indicates that this missense variant is not expected to disrupt FLNB protein function with a negative predictive value of 95%. In summary, the available evidence is currently insufficient to determine the role of this variant in disease. Therefore, it has been classified as a Variant of Uncertain Significance.

NM_001457.4(FLNB):c.6203T>G (p.Val2068Gly)

Gene: FLNB (filamin B; plus strand). Cytogenetic location: 3p14.3.
Variant type: single nucleotide variant.
Coding change: c.6203T>G on transcript NM_001457.4 (MANE Select); coding-DNA position 6203, T replaced by G.
Protein change: p.Val2068Gly; replaces valine 2068 with glycine.
Molecular consequence: missense variant.
Genome position (GRCh38, 1-based): chr3:58,149,961, T>G. VCF-style: chr3-58149961-T-G. GRCh37 (hg19) VCF-style: chr3-58135688-T-G.
Other names: c.6296T>G, p.Val2099Gly (NM_001164317.2); c.6170T>G, p.Val2057Gly (NM_001164318.2); c.6131T>G, p.Val2044Gly (NM_001164319.2); short protein forms V2044G, V2099G, V2057G, V2068G.
Identifiers: ClinVar variation 3635747 (VCV003635747.2).